The following is an entry in ClinVar:

NM_001182.5(ALDH7A1):c.859C>T (p.Gln287Ter)

Gene: ALDH7A1 (aldehyde dehydrogenase 7 family member A1; minus strand). Cytogenetic location: 5q23.2.
Variant type: single nucleotide variant.
Coding change: c.859C>T on transcript NM_001182.5 (MANE Select); coding-DNA position 859, C replaced by T.
Protein change: p.Gln287Ter; replaces glutamine 287 with a stop codon.
Molecular consequence: nonsense.
Genome position (GRCh38, 1-based): chr5:126,568,271, G>A on the plus strand (C>T on the coding strand, the complement: ALDH7A1 is on the minus strand). VCF-style: chr5-126568271-G-A. GRCh37 (hg19) VCF-style: chr5-125903963-G-A.
Other names: c.775C>T, p.Gln259Ter (NM_001201377.2); c.859C>T, p.Gln287Ter (NM_001202404.2); short protein forms Q259*, Q287*.
Identifiers: ClinVar variation 1073579 (VCV001073579.8), dbSNP rs1204010423, ClinGen allele CA360729189.

ClinVar aggregate classification (germline): Pathogenic/Likely pathogenic. Review status: criteria provided, multiple submitters, no conflicts (2 of 4 stars). 3 submissions from 3 submitters: Pathogenic (1); Likely pathogenic (2). Last evaluated 2024-03-16.

Conditions:
Pyridoxine-dependent epilepsy (EPEO4). Also called: Pyridoxine-Dependent Seizures; Pyridoxine-Dependent Epilepsy - ALDH7A1; PYRIDOXINE DEPENDENCY WITH SEIZURES; EPILEPSY, EARLY-ONSET, 4, VITAMIN B6-DEPENDENT. Identifiers: Orphanet 3006, MedGen C1849508, MONDO:0009945, OMIM 266100. Disease mechanism: loss of function.

Allele frequency attached by ClinVar (database versions not stated): gnomAD exomes below 0.00001; TOPMed below 0.00001.
gnomAD v4.1: 2 of 1,614,044 alleles (0.00012%); highest among the groups gnomAD compares: Admixed American, 0.0017%; no homozygotes.

Submissions (3):

Labcorp Genetics (formerly Invitae), Labcorp
Classification: Pathogenic for Pyridoxine-dependent epilepsy. Last evaluated: 2024-03-16. Review status: criteria provided, single submitter. Criteria: Invitae Variant Classification Sherloc (09022015). Collection method: clinical testing. Allele origin: germline.
Comment: This sequence change creates a premature translational stop signal (p.Gln287*) in the ALDH7A1 gene. It is expected to result in an absent or disrupted protein product. Loss-of-function variants in ALDH7A1 are known to be pathogenic (PMID: 16491085, 20554659). This variant is present in population databases (no rsID available, gnomAD 0.003%). This variant has not been reported in the literature in individuals affected with ALDH7A1-related conditions. ClinVar contains an entry for this variant (Variation ID: 1073579). Algorithms developed to predict the effect of sequence changes on RNA splicing suggest that this variant may disrupt the consensus splice site. For these reasons, this variant has been classified as Pathogenic.

Genome-Nilou Lab
Classification: Likely pathogenic for Pyridoxine-dependent epilepsy. Last evaluated: 2023-04-11. Review status: criteria provided, single submitter. Criteria: ACMG Guidelines, 2015. Collection method: clinical testing. Allele origin: germline. Affected: no.

Women's Health and Genetics/Laboratory Corporation of America, LabCorp
Classification: Likely pathogenic for Pyridoxine-dependent epilepsy. Last evaluated: 2022-11-10. Review status: criteria provided, single submitter. Criteria: LabCorp Variant Classification Summary - May 2015. Collection method: clinical testing. Allele origin: germline.
Comment: Variant summary: ALDH7A1 c.859C>T (p.Gln287X) results in a premature termination codon, predicted to cause a truncation of the encoded protein or absence of the protein due to nonsense mediated decay, which are commonly known mechanisms for disease. Truncations downstream of this position are classified as pathogenic in ClinVar. The variant allele was found at a frequency of 4e-06 in 251480 control chromosomes. To our knowledge, no occurrence of c.859C>T in individuals affected with Pyridoxine-Dependent Epilepsy and no experimental evidence demonstrating its impact on protein function have been reported. One clinical diagnostic laboratory has submitted clinical-significance assessments for this variant to ClinVar after 2014 without evidence for independent evaluation. One laboratory classified the variant as pathogenic. Based on the evidence outlined above, the variant was classified as likely pathogenic.

Literature cited by the submitters: PubMed 16491085 (cited by Labcorp Genetics (formerly Invitae), Labcorp); PubMed 20554659 (cited by Labcorp Genetics (formerly Invitae), Labcorp).